The following is an entry in ClinVar:

ClinVar aggregate classification (germline): Uncertain significance. Review status: criteria provided, multiple submitters, no conflicts (2 of 4 stars). 2 submissions from 2 submitters: Uncertain significance (2). Last evaluated 2023-08-24.

Submissions (2):

Labcorp Genetics (formerly Invitae), Labcorp
Classification: Uncertain significance. Last evaluated: 2023-08-24. Review status: criteria provided, single submitter. Criteria: Invitae Variant Classification Sherloc (09022015). Collection method: clinical testing. Allele origin: germline.
Comment: This sequence change replaces glycine, which is neutral and non-polar, with alanine, which is neutral and non-polar, at codon 554 of the LCA5 protein (p.Gly554Ala). This variant is not present in population databases (gnomAD no frequency). This variant has not been reported in the literature in individuals affected with LCA5-related conditions. ClinVar contains an entry for this variant (Variation ID: 2163636). Advanced modeling of protein sequence and biophysical properties (such as structural, functional, and spatial information, amino acid conservation, physicochemical variation, residue mobility, and thermodynamic stability) performed at Invitae indicates that this missense variant is expected to disrupt LCA5 protein function. In summary, the available evidence is currently insufficient to determine the role of this variant in disease. Therefore, it has been classified as a Variant of Uncertain Significance.

Blueprint Genetics
Classification: Uncertain significance. Last evaluated: 2020-08-14. Review status: criteria provided, single submitter. Criteria: ACMG Guidelines, 2015. Collection method: clinical testing. Allele origin: germline.

NM_001122769.3(LCA5):c.1661G>C (p.Gly554Ala)

Gene: LCA5 (lebercilin LCA5; minus strand). Cytogenetic location: 6q14.1.
Variant type: single nucleotide variant.
Coding change: c.1661G>C on transcript NM_001122769.3 (MANE Select); coding-DNA position 1661, G replaced by C.
Protein change: p.Gly554Ala; replaces glycine 554 with alanine.
Molecular consequence: missense variant.
Genome position (GRCh38, 1-based): chr6:79,487,437, C>G on the plus strand (G>C on the coding strand, the complement: LCA5 is on the minus strand). VCF-style: chr6-79487437-C-G. GRCh37 (hg19) VCF-style: chr6-80197154-C-G.
Other names: c.1661G>C, p.Gly554Ala (NM_181714.4); short protein forms G554A.
Identifiers: ClinVar variation 2163636 (VCV002163636.5), dbSNP rs2533368866, ClinGen allele CA364639334.